The following is an entry in ClinVar:

ClinVar aggregate classification (germline): Uncertain significance (1 of 4 stars; one submission).

Conditions:
Myopathy, centronuclear, 2 (CNM2). Also called: MYOTUBULAR MYOPATHY, AUTOSOMAL RECESSIVE. Identifiers: Orphanet 169186, MedGen CN031787, MONDO:0009709, OMIM 255200.

Submission:

Labcorp Genetics (formerly Invitae), Labcorp
Classification: Uncertain significance for Myopathy, centronuclear, 2. Last evaluated: 2024-03-13. Review status: criteria provided, single submitter. Criteria: Invitae Variant Classification Sherloc (09022015). Collection method: clinical testing. Allele origin: germline.
Comment: This sequence change replaces proline, which is neutral and non-polar, with serine, which is neutral and polar, at codon 431 of the BIN1 protein (p.Pro431Ser). This variant is not present in population databases (gnomAD no frequency). This variant has not been reported in the literature in individuals affected with BIN1-related conditions. An algorithm developed to predict the effect of missense changes on protein structure and function (PolyPhen-2) suggests that this variant is likely to be tolerated. In summary, the available evidence is currently insufficient to determine the role of this variant in disease. Therefore, it has been classified as a Variant of Uncertain Significance.

NM_139343.3(BIN1):c.1291C>T (p.Pro431Ser)

Gene: BIN1 (bridging integrator 1; minus strand). Cytogenetic location: 2q14.3.
Variant type: single nucleotide variant.
Coding change: c.1291C>T on transcript NM_139343.3 (MANE Select); coding-DNA position 1291, C replaced by T.
Protein change: p.Pro431Ser; replaces proline 431 with serine.
Molecular consequence: missense variant. On other transcripts: intron variant (9).
Genome position (GRCh38, 1-based): chr2:127,052,335, G>A on the plus strand (C>T on the coding strand, the complement: BIN1 is on the minus strand). VCF-style: chr2-127052335-G-A. GRCh37 (hg19) VCF-style: chr2-127809911-G-A.
Other names: c.1198C>T, p.Pro400Ser (NM_001320641.2); c.1210C>T, p.Pro404Ser (NM_001320642.1); c.1162C>T, p.Pro388Ser (NM_139344.3); c.1030C>T, p.Pro344Ser (NM_139345.3); c.1066C>T, p.Pro356Ser (NM_139347.3); c.937C>T, p.Pro313Ser (NM_139349.3); c.838-1423C>T (NM_001320634.1); c.910-1423C>T (NM_139351.3); and 7 more; short protein forms P404S, P431S, P313S, P400S, P388S, P344S, P356S.
Identifiers: ClinVar variation 3644041 (VCV003644041.2).